The following is an entry in ClinVar:

ClinVar aggregate classification (germline): Benign. Review status: criteria provided, multiple submitters, no conflicts (2 of 4 stars). 2 submissions from 2 submitters: Benign (2). Last evaluated 2018-06-16.

Allele frequency attached by ClinVar (database versions not stated): TOPMed 0.95162; 1000 Genomes Project 0.95407; gnomAD 0.95428 and 0.95797; 1000 Genomes Project 30x 0.95440; gnomAD exomes 0.99522.
gnomAD v4.1: 952,537 of 963,096 alleles (99%); highest among the groups gnomAD compares: East Asian, 100%; 471,702 homozygotes.

Submissions (2):

GeneDx
Classification: Benign. Last evaluated: 2018-06-16. Review status: criteria provided, single submitter. Criteria: GeneDx Variant Classification (06012015). Collection method: clinical testing. Allele origin: germline. Affected: yes.
Comment: This variant is considered likely benign or benign based on one or more of the following criteria: it is a conservative change, it occurs at a poorly conserved position in the protein, it is predicted to be benign by multiple in silico algorithms, and/or has population frequency not consistent with disease.

Breakthrough Genomics
Classification: Benign. Review status: criteria provided, single submitter. Criteria: ACMG Guidelines, 2015. Collection method: not provided. Allele origin: germline. Inheritance: Autosomal dominant inheritance. Affected: yes.

NM_152594.3(SPRED1):c.423+105C>G

Gene: SPRED1 (sprouty related EVH1 domain containing 1; plus strand). Cytogenetic location: 15q14.
Variant type: single nucleotide variant.
Coding change: c.423+105C>G on transcript NM_152594.3 (MANE Select); 105 bases into the intron after coding-DNA position 423, C replaced by G.
Molecular consequence: intron variant.
Genome position (GRCh38, 1-based): chr15:38,324,914, C>G. VCF-style: chr15-38324914-C-G. GRCh37 (hg19) VCF-style: chr15-38617115-C-G.
Identifiers: ClinVar variation 561405 (VCV000561405.2), dbSNP rs1879937, ClinGen allele CA269290633.